The following is an entry in ClinVar:

ClinVar aggregate classification (germline): Uncertain significance. Review status: criteria provided, multiple submitters, no conflicts (2 of 4 stars). 2 submissions from 2 submitters: Uncertain significance (2). Last evaluated 2025-04-27.

Conditions:
Gastrointestinal stromal tumor. Also called: Gastrointestinal stromal tumor, somatic; Gastrointestinal stroma tumor. Identifiers: Orphanet 44890, MedGen C0238198, MeSH D046152, MONDO:0011719, OMIM 606764, HP:0100723.
Hereditary cancer-predisposing syndrome. Also called: Tumor predisposition; Neoplastic Syndromes, Hereditary; Hereditary neoplastic syndrome; Hereditary Cancer Syndrome. Identifiers: Orphanet 140162, MedGen C0027672, MeSH D009386, MONDO:0015356.

Allele frequency attached by ClinVar (database versions not stated): TOPMed 0.00002.

Submissions (2):

Labcorp Genetics (formerly Invitae), Labcorp
Classification: Uncertain significance for Gastrointestinal stromal tumor. Last evaluated: 2025-04-27. Review status: criteria provided, single submitter. Criteria: Invitae Variant Classification Sherloc (09022015). Collection method: clinical testing. Allele origin: germline.
Comment: This sequence change replaces glycine, which is neutral and non-polar, with arginine, which is basic and polar, at codon 430 of the PDGFRA protein (p.Gly430Arg). This variant is not present in population databases (gnomAD no frequency). This variant has not been reported in the literature in individuals affected with PDGFRA-related conditions. ClinVar contains an entry for this variant (Variation ID: 1039691). Invitae Evidence Modeling of protein sequence and biophysical properties (such as structural, functional, and spatial information, amino acid conservation, physicochemical variation, residue mobility, and thermodynamic stability) indicates that this missense variant is not expected to disrupt PDGFRA protein function with a negative predictive value of 80%. In summary, the available evidence is currently insufficient to determine the role of this variant in disease. Therefore, it has been classified as a Variant of Uncertain Significance.

Ambry Genetics
Classification: Uncertain significance for Hereditary cancer-predisposing syndrome. Last evaluated: 2022-08-08. Review status: criteria provided, single submitter. Criteria: Ambry Variant Classification Scheme 2023. Collection method: clinical testing. Allele origin: germline.
Comment: The p.G430R variant (also known as c.1288G>A), located in coding exon 8 of the PDGFRA gene, results from a G to A substitution at nucleotide position 1288. The glycine at codon 430 is replaced by arginine, an amino acid with dissimilar properties. This amino acid position is conserved. In addition, this alteration is predicted to be tolerated by in silico analysis. Since supporting evidence is limited at this time, the clinical significance of this alteration remains unclear.

NM_006206.6(PDGFRA):c.1288G>A (p.Gly430Arg)

Gene: PDGFRA (platelet derived growth factor receptor alpha; plus strand). Cytogenetic location: 4q12.
Variant type: single nucleotide variant.
Coding change: c.1288G>A on transcript NM_006206.6 (MANE Select); coding-DNA position 1288, G replaced by A.
Protein change: p.Gly430Arg; replaces glycine 430 with arginine.
Molecular consequence: missense variant.
Genome position (GRCh38, 1-based): chr4:54,272,444, G>A. VCF-style: chr4-54272444-G-A. GRCh37 (hg19) VCF-style: chr4-55138611-G-A.
Other names: c.1288G>A, p.Gly430Arg (NM_001347827.2, NM_001347829.2); c.1363G>A, p.Gly455Arg (NM_001347828.2); c.1327G>A, p.Gly443Arg (NM_001347830.2); short protein forms G443R, G430R, G455R.
Identifiers: ClinVar variation 1039691 (VCV001039691.11), dbSNP rs1197237938, ClinGen allele CA356892234.